The following is an entry in ClinVar:

ClinVar aggregate classification (germline): Uncertain significance (1 of 4 stars; one submission).

Submission:

Labcorp Genetics (formerly Invitae), Labcorp
Classification: Uncertain significance. Last evaluated: 2024-11-07. Review status: criteria provided, single submitter. Criteria: Invitae Variant Classification Sherloc (09022015). Collection method: clinical testing. Allele origin: germline.
Comment: This sequence change replaces glycine, which is neutral and non-polar, with alanine, which is neutral and non-polar, at codon 196 of the LARS2 protein (p.Gly196Ala). This variant is not present in population databases (gnomAD no frequency). This variant has not been reported in the literature in individuals affected with LARS2-related conditions. Invitae Evidence Modeling of protein sequence and biophysical properties (such as structural, functional, and spatial information, amino acid conservation, physicochemical variation, residue mobility, and thermodynamic stability) indicates that this missense variant is expected to disrupt LARS2 protein function with a positive predictive value of 80%. In summary, the available evidence is currently insufficient to determine the role of this variant in disease. Therefore, it has been classified as a Variant of Uncertain Significance.

NM_015340.4(LARS2):c.587G>C (p.Gly196Ala)

Gene: LARS2 (leucyl-tRNA synthetase 2, mitochondrial; plus strand). Cytogenetic location: 3p21.31.
Variant type: single nucleotide variant.
Coding change: c.587G>C on transcript NM_015340.4 (MANE Select); coding-DNA position 587, G replaced by C.
Protein change: p.Gly196Ala; replaces glycine 196 with alanine.
Molecular consequence: missense variant.
Genome position (GRCh38, 1-based): chr3:45,446,961, G>C. VCF-style: chr3-45446961-G-C. GRCh37 (hg19) VCF-style: chr3-45488453-G-C.
Other names: c.587G>C, p.Gly196Ala (NM_001368263.1); short protein forms G196A.
Identifiers: ClinVar variation 3667292 (VCV003667292.2).